The following is an entry in ClinVar:

NM_000552.5(VWF):c.7551C>T (p.Val2517=)

Gene: VWF (von Willebrand factor; minus strand). Cytogenetic location: 12p13.31.
Variant type: single nucleotide variant.
Coding change: c.7551C>T on transcript NM_000552.5 (MANE Select); coding-DNA position 7551, C replaced by T.
Protein change: p.Val2517=; no amino-acid change (valine 2517 retained).
Molecular consequence: synonymous variant.
Genome position (GRCh38, 1-based): chr12:5,969,389, G>A on the plus strand (C>T on the coding strand, the complement: VWF is on the minus strand). VCF-style: chr12-5969389-G-A. GRCh37 (hg19) VCF-style: chr12-6078555-G-A.
Identifiers: ClinVar variation 2577324 (VCV002577324.2), dbSNP rs145955543, ClinGen allele CA6401614.

ClinVar aggregate classification (germline): Uncertain significance (1 of 4 stars; one submission).

Allele frequency attached by ClinVar (database versions not stated): ExAC 0.00003; gnomAD exomes 0.00009; ESP Exome Variant Server 0.00015; 1000 Genomes Project 30x 0.00016; 1000 Genomes Project 0.00020.
gnomAD v4.1: 132 of 1,614,166 alleles (0.0082%); highest among the groups gnomAD compares: Middle Eastern, 0.033%; no homozygotes.

Submission:

Women's Health and Genetics/Laboratory Corporation of America, LabCorp
Classification: Uncertain significance. Last evaluated: 2026-03-16. Review status: criteria provided, single submitter. Criteria: LabCorp Variant Classification Summary - May 2015. Collection method: clinical testing. Allele origin: germline.
Comment: Variant summary: VWF c.7551C>T (p.Val2517Val) alters a conserved nucleotide located close to a canonical splice site and therefore could affect mRNA splicing, leading to a significantly altered protein sequence. Consensus agreement among computation tools predict no significant impact on normal splicing. However, these predictions have yet to be confirmed by functional studies. The variant allele was found at a frequency of 5.2e-05 in 251018 control chromosomes. This frequency is not significantly higher than estimated for disease-causing variants in VWF, allowing no conclusion about variant significance. To our knowledge, no occurrence of c.7551C>T in individuals affected with VWF-related conditions and no experimental evidence demonstrating its impact on protein function have been reported. ClinVar contains an entry for this variant (Variation ID: 2577324). Based on the evidence outlined above, the variant was classified as uncertain significance.